The following is an entry in ClinVar:

NM_000051.4(ATM):c.6482_6483dup (p.Ser2162fs)

Genes: ATM (ATM serine/threonine kinase; plus strand), C11orf65 (chromosome 11 open reading frame 65; minus strand). Cytogenetic location: 11q22.3.
Variant type: Microsatellite.
Coding change: c.6482_6483dup on transcript NM_000051.4 (MANE Select); coding-DNA positions 6482 to 6483, 2 bases duplicated (GC; older notation c.6482_6483dupGC).
Protein change: p.Ser2162fs; shifts the reading frame from serine 2162.
Molecular consequence: frameshift variant. On other transcripts: intron variant (2).
Genome position (GRCh38, 1-based): chr11:108,321,330-108,321,331, GC duplicated; duplicating any 2 consecutive bases within chr11:108,321,328-108,321,331 gives the same sequence; the c. name uses the placement nearest the transcript's 3' end. VCF-style (leftmost placement, unchanged base first): chr11-108321327-A-AGC. GRCh37 (hg19) VCF-style: chr11-108192054-A-AGC.
Other names: c.6482_6483dupGC (NM_000051.3); c.6482_6483dup, p.Ser2162fs (NM_001351834.2); c.641-12260GC[3] (NM_001330368.2); c.*39-12260GC[3] (NM_001351110.2); short protein forms S2162fs.
Identifiers: ClinVar variation 370971 (VCV000370971.12), dbSNP rs1057516905, ClinGen allele CA16041424.

ClinVar aggregate classification (germline): Pathogenic/Likely pathogenic. Review status: criteria provided, multiple submitters, no conflicts (2 of 4 stars). 3 submissions from 3 submitters: Pathogenic (1); Likely pathogenic (1). 1 of the submissions does not count toward it. Last evaluated 2023-09-22.

Conditions:
Familial cancer of breast. Also called: hereditary breast carcinoma; Hereditary breast cancer; BREAST CANCER, FAMILIAL. Identifiers: Orphanet 227535, MedGen C0346153, MONDO:0016419, OMIM 114480. Disease mechanism: loss of function.
Ataxia-telangiectasia syndrome (AT). Also called: Ataxia-telangiectasia, complementation group D; Ataxia-telangiectasia, complementation group E; LOUIS-BAR SYNDROME; AT, COMPLEMENTATION GROUP C; ATAXIA-TELANGIECTASIA, COMPLEMENTATION GROUP A; ATAXIA-TELANGIECTASIA, FRESNO VARIANT. Identifiers: Orphanet 100, MedGen C0004135, MONDO:0008840, OMIM 208900.

Submissions (3):

Baylor Genetics
Classification: Likely pathogenic for Familial cancer of breast. Last evaluated: 2023-09-22. Review status: criteria provided, single submitter. Criteria: ACMG Guidelines, 2015. Collection method: clinical testing. Allele origin: unknown.

Labcorp Genetics (formerly Invitae), Labcorp
Classification: Pathogenic for Ataxia-telangiectasia syndrome. Last evaluated: 2022-02-19. Review status: criteria provided, single submitter. Criteria: Invitae Variant Classification Sherloc (09022015). Collection method: clinical testing. Allele origin: germline.
Comment: For these reasons, this variant has been classified as Pathogenic. ClinVar contains an entry for this variant (Variation ID: 370971). This variant has not been reported in the literature in individuals affected with ATM-related conditions. This variant is not present in population databases (gnomAD no frequency). This sequence change creates a premature translational stop signal (p.Ser2162Alafs*74) in the ATM gene. It is expected to result in an absent or disrupted protein product. Loss-of-function variants in ATM are known to be pathogenic (PMID: 23807571, 25614872).

Counsyl
Classification: Likely pathogenic for Ataxia-telangiectasia syndrome. Last evaluated: 2016-05-26. Review status: no assertion criteria provided. Collection method: clinical testing. Allele origin: unknown. Not counted in ClinVar's aggregate classification.

Literature cited by the submitters: PubMed 23807571 (cited by Labcorp Genetics (formerly Invitae), Labcorp); PubMed 25614872 (cited by Labcorp Genetics (formerly Invitae), Labcorp).